The following is an entry in ClinVar:

ClinVar aggregate classification (germline): Uncertain significance (1 of 4 stars; one submission).

gnomAD v4.1: 13 of 1,610,230 alleles (0.00081%); highest among the groups gnomAD compares: Middle Eastern, 0.017%; no homozygotes.

Submission:

GeneDx
Classification: Uncertain significance. Last evaluated: 2024-12-16. Review status: criteria provided, single submitter. Criteria: GeneDx Variant Classification Process June 2021. Collection method: clinical testing. Allele origin: germline. Affected: yes.
Comment: Has not been previously published as pathogenic or benign to our knowledge; Not observed at significant frequency in large population cohorts (gnomAD); In silico analysis supports that this missense variant has a deleterious effect on protein structure/function

NM_001130021.3(ATP6V0A1):c.637G>A (p.Asp213Asn)

Gene: ATP6V0A1 (ATPase H+ transporting V0 subunit a1; plus strand). Cytogenetic location: 17q21.2.
Variant type: single nucleotide variant.
Coding change: c.637G>A on transcript NM_001130021.3 (MANE Select); coding-DNA position 637, G replaced by A.
Protein change: p.Asp213Asn; replaces aspartic acid 213 with asparagine.
Molecular consequence: missense variant.
Genome position (GRCh38, 1-based): chr17:42,480,670, G>A. VCF-style: chr17-42480670-G-A. GRCh37 (hg19) VCF-style: chr17-40632688-G-A.
Other names: c.658G>A, p.Asp220Asn (NM_001130020.3, NM_001378522.1, NM_001378523.1 and 3 more transcripts); c.760G>A, p.Asp254Asn (NM_001378530.1, NM_001378533.1, NM_001378551.1 and 1 more transcripts); c.781G>A, p.Asp261Asn (NM_001378531.1, NM_001378532.1); c.637G>A, p.Asp213Asn (NM_001378535.1, NM_001378537.1, NM_001378542.1 and 6 more transcripts); c.529G>A, p.Asp177Asn (NM_001378536.1, NM_001378550.1, NM_001378556.1); c.508G>A, p.Asp170Asn (NM_001378538.1, NM_001378540.1); c.478G>A, p.Asp160Asn (NM_001378543.1); c.427G>A, p.Asp143Asn (NM_001378545.1, NM_001378554.1); and 1 more; short protein forms D143N, D153N, D160N, D170N, D177N, D213N, D220N, D254N.
Identifiers: ClinVar variation 3903140 (VCV003903140.1).